The following is an entry in ClinVar:

NM_001267550.2(TTN):c.15091T>G (p.Tyr5031Asp)

Gene: TTN (titin; minus strand). Cytogenetic location: 2q31.2.
Variant type: single nucleotide variant.
Coding change: c.15091T>G on transcript NM_001267550.2 (MANE Select); coding-DNA position 15091, T replaced by G.
Protein change: p.Tyr5031Asp; replaces tyrosine 5031 with aspartic acid.
Molecular consequence: missense variant. On other transcripts: intron variant (3).
Genome position (GRCh38, 1-based): chr2:178,734,833, A>C on the plus strand (T>G on the coding strand, the complement: TTN is on the minus strand). VCF-style: chr2-178734833-A-C. GRCh37 (hg19) VCF-style: chr2-179599560-A-C.
Other names: c.14140T>G, p.Tyr4714Asp (NM_001256850.1); c.11359T>G, p.Tyr3787Asp (NM_133378.4); c.13282+3249T>G (NM_003319.4); c.13858+3249T>G (NM_133437.4); c.13657+3249T>G (NM_133432.3); short protein forms Y4714D, Y3787D, Y5031D.
Identifiers: ClinVar variation 4989305 (VCV004989305.1).

ClinVar aggregate classification (germline): Uncertain significance (1 of 4 stars; one submission).

Conditions:
TTN-related disorder. Also called: TTN-related disorders; TTN-related condition; TTN-related disease.

gnomAD v4.1: 20 of 1,613,686 alleles (0.0012%); highest among the groups gnomAD compares: African/African-American, 0.004%; no homozygotes.

Submission:

PreventionGenetics, part of Exact Sciences
Classification: Uncertain significance for TTN-related condition. Last evaluated: 2026-04-08. Review status: criteria provided, single submitter. Criteria: ACMG Guidelines, 2015. Collection method: clinical testing. Allele origin: germline.
Comment: The TTN c.15091T>G variant is predicted to result in the amino acid substitution p.Tyr5031Asp. To our knowledge, this variant has not been reported in the literature. This variant is reported in 0.0041% of alleles in individuals of African descent in gnomAD. At this time, the clinical significance of this variant is uncertain due to the absence of conclusive functional and genetic evidence.